The following is an entry in ClinVar:

ClinVar aggregate classification (germline): Conflicting classifications of pathogenicity. Review status: criteria provided, conflicting classifications (1 of 4 stars). 11 submissions from 11 submitters: Uncertain significance (8); Likely benign (3). Last evaluated 2026-03-01.

Conditions:
Cardiovascular phenotype. Identifiers: MedGen CN230736.
Dilated cardiomyopathy 1G (CMD1G). Identifiers: Orphanet 154, MedGen C1858763, MONDO:0011400, OMIM 604145.
Autosomal recessive limb-girdle muscular dystrophy type 2J (LGMDR10). Also called: Limb-girdle muscular dystrophy, type 2J; MUSCULAR DYSTROPHY, LIMB-GIRDLE, AUTOSOMAL RECESSIVE 10. Identifiers: Orphanet 140922, MedGen C1837342, MONDO:0012127, OMIM 608807.
Cardiomyopathy (CMYO). Also called: Cardiomyopathies. Identifiers: Orphanet 167848, MedGen C0878544, MONDO:0004994, HP:0001638. Inheritance: Various modes of inheritance.

Allele frequency attached by ClinVar (database versions not stated): ExAC 0.00008; gnomAD 0.00009 and 0.00010; gnomAD exomes 0.00010 and 0.00012; TOPMed 0.00013; ESP Exome Variant Server 0.00016.
gnomAD v4.1: 201 of 1,613,120 alleles (0.012%); highest among the groups gnomAD compares: Non-Finnish European, 0.015%; no homozygotes.

Submissions (11):

CeGaT Center for Human Genetics Tuebingen
Classification: Uncertain significance. Last evaluated: 2026-03-01. Review status: criteria provided, single submitter. Criteria: CeGaT Center For Human Genetics Tuebingen Variant Classification Criteria Version 2. Collection method: clinical testing. Allele origin: germline. Affected: yes. Observed: 2 variant alleles.
Comment: TTN: PM2

Molecular Diagnostic Laboratory for Inherited Cardiovascular Disease, Montreal Heart Institute
Classification: Likely benign. Last evaluated: 2025-04-09. Review status: criteria provided, single submitter. Criteria: ACMG Guidelines, 2015. Collection method: clinical testing. Allele origin: germline. Affected: no.
Comment: BP1

Revvity Omics, Revvity
Classification: Uncertain significance. Last evaluated: 2024-10-22. Review status: criteria provided, single submitter. Criteria: ACMG Guidelines, 2015. Collection method: clinical testing. Allele origin: germline.

Blueprint Genetics
Classification: Likely benign. Last evaluated: 2024-03-15. Review status: criteria provided, single submitter. Criteria: ACMG Guidelines, 2015. Collection method: clinical testing. Allele origin: germline.

Women's Health and Genetics/Laboratory Corporation of America, LabCorp
Classification: Uncertain significance. Last evaluated: 2022-09-28. Review status: criteria provided, single submitter. Criteria: LabCorp Variant Classification Summary - May 2015. Collection method: clinical testing. Allele origin: germline.
Comment: Variant summary: TTN c.78767C>T (p.Thr26256Ile) results in a non-conservative amino acid change located in the A-band region of the encoded protein sequence. Three of four in-silico tools predict a damaging effect of the variant on protein function. The variant allele was found at a frequency of 0.0001 in 247678 control chromosomes (gnomAD). To our knowledge, no occurrence of c.78767C>T in individuals affected with TTN-Related Disorders and no experimental evidence demonstrating its impact on protein function have been reported. Four clinical diagnostic laboratories have submitted clinical-significance assessments for this variant to ClinVar after 2014 and classified it as VUS (n=3) and likely benign (n=1). Based on the evidence outlined above, the variant was classified as uncertain significance.

GeneDx
Classification: Likely benign. Last evaluated: 2020-12-17. Review status: criteria provided, single submitter. Criteria: GeneDx Variant Classification Process June 2021. Collection method: clinical testing. Allele origin: germline. Affected: yes.

Mayo Clinic Laboratories, Mayo Clinic
Classification: Uncertain significance. Last evaluated: 2020-08-05. Review status: criteria provided, single submitter. Criteria: ACMG Guidelines, 2015. Collection method: clinical testing. Allele origin: germline. Observed: 1 variant allele.

Ambry Genetics
Classification: Uncertain significance for Cardiovascular phenotype. Last evaluated: 2019-03-22. Review status: criteria provided, single submitter. Criteria: Ambry Variant Classification Scheme 2023. Collection method: clinical testing. Allele origin: germline.
Comment: The p.T19759I variant (also known as c.59276C>T), located in coding exon 153 of the TTN gene, results from a C to T substitution at nucleotide position 59276. The threonine at codon 19759 is replaced by isoleucine, an amino acid with similar properties. This amino acid position is highly conserved in available vertebrate species. In addition, this alteration is predicted to be tolerated by in silico analysis. Since supporting evidence is limited at this time, the clinical significance of this alteration remains unclear.

Labcorp Genetics (formerly Invitae), Labcorp
Classification: Uncertain significance for Dilated cardiomyopathy 1G; Autosomal recessive limb-girdle muscular dystrophy type 2J. Last evaluated: 2018-01-04. Review status: criteria provided, single submitter. Criteria: Invitae Variant Classification Sherloc (09022015). Collection method: clinical testing. Allele origin: germline.

CHEO Genetics Diagnostic Laboratory, Children's Hospital of Eastern Ontario
Classification: Uncertain significance for Cardiomyopathy. Last evaluated: 2017-04-28. Review status: criteria provided, single submitter. Criteria: ACMG Guidelines, 2015. Collection method: clinical testing. Allele origin: germline. Study: Canadian Open Genetics Repository.

Laboratory for Molecular Medicine, Mass General Brigham Personalized Medicine
Classification: Uncertain significance. Last evaluated: 2012-10-03. Review status: criteria provided, single submitter. Criteria: LMM Criteria. Collection method: clinical testing. Allele origin: germline. Observed: 1 variant allele.
Comment: The Thr26256Ile variant in TTN has not been reported in the literature nor previ ously identified by our laboratory. This variant has been identified in 2/8318 E uropean American chromosomes from a broad population by the NHLBI Exome Sequenci ng Project (dbSNP rs200709344). Computational analyses (biochemical amino acid properties, conservation, AlignGVGD, PolyPhen2, and SIFT) do not provide strong support for or against an impact to the protein . Additional studies are needed to fully assess the clinical significance of thi s variant.

NM_001267550.2(TTN):c.86471C>T (p.Thr28824Ile)

Genes: TTN (titin; minus strand), TTN-AS1 (TTN antisense RNA 1; plus strand). Cytogenetic location: 2q31.2.
Variant type: single nucleotide variant.
Coding change: c.86471C>T on transcript NM_001267550.2 (MANE Select); coding-DNA position 86471, C replaced by T.
Protein change: p.Thr28824Ile; replaces threonine 28824 with isoleucine.
Molecular consequence: missense variant.
Genome position (GRCh38, 1-based): chr2:178,559,661, G>A on the plus strand (C>T on the coding strand, the complement: TTN is on the minus strand). VCF-style: chr2-178559661-G-A. GRCh37 (hg19) VCF-style: chr2-179424388-G-A.
Other names: c.81548C>T, p.Thr27183Ile (NM_001256850.1); c.78767C>T, p.Thr26256Ile (NM_133378.4); c.59276C>T, p.Thr19759Ile (NM_003319.4); c.59651C>T, p.Thr19884Ile (NM_133432.3); c.59852C>T, p.Thr19951Ile (NM_133437.4); short protein forms T28824I, T26256I, T27183I, T19759I, T19951I, T19884I.
Identifiers: ClinVar variation 47454 (VCV000047454.41), dbSNP rs200709344, ClinGen allele CA141051.
Genomic context (GRCh38, chr2:178,559,661, plus strand): 5'-TCTAAAACTTTGACAACTAAGGTCAGTGAAGCAGCACTCAAAACATTCTGAATTGTTAAT[G>A]TGTACTTTCCAGAGTCATTTCTGTTGGCATTTTCAATGGTCAGTGATGTACGAGAGTCTG-3'
Protein context (NP_001254479.2, residues 28814-28834): NANRNDSGKY[Thr28824Ile]LTIQNVLSAA